The following is an entry in ClinVar:

ClinVar aggregate classification (germline): Uncertain significance (1 of 4 stars; one submission).

Allele frequency attached by ClinVar (database versions not stated): gnomAD exomes below 0.00001.
gnomAD v4.1: 2 of 1,613,986 alleles (0.00012%); highest among the groups gnomAD compares: Non-Finnish European, 0.00017%; no homozygotes.

Submission:

Labcorp Genetics (formerly Invitae), Labcorp
Classification: Uncertain significance. Last evaluated: 2022-11-29. Review status: criteria provided, single submitter. Criteria: Invitae Variant Classification Sherloc (09022015). Collection method: clinical testing. Allele origin: germline.
Comment: In summary, the available evidence is currently insufficient to determine the role of this variant in disease. Therefore, it has been classified as a Variant of Uncertain Significance. Algorithms developed to predict the effect of missense changes on protein structure and function are either unavailable or do not agree on the potential impact of this missense change (SIFT: "Not Available"; PolyPhen-2: "Benign"; Align-GVGD: "Not Available"). ClinVar contains an entry for this variant (Variation ID: 1052771). This variant has not been reported in the literature in individuals affected with ADAMTS18-related conditions. This variant is not present in population databases (gnomAD no frequency). This sequence change replaces leucine, which is neutral and non-polar, with histidine, which is basic and polar, at codon 1017 of the ADAMTS18 protein (p.Leu1017His).

NM_199355.4(ADAMTS18):c.3050T>A (p.Leu1017His)

Gene: ADAMTS18 (ADAM metallopeptidase with thrombospondin type 1 motif 18; minus strand). Cytogenetic location: 16q23.1.
Variant type: single nucleotide variant.
Coding change: c.3050T>A on transcript NM_199355.4 (MANE Select); coding-DNA position 3050, T replaced by A.
Protein change: p.Leu1017His; replaces leucine 1017 with histidine.
Molecular consequence: missense variant.
Genome position (GRCh38, 1-based): chr16:77,293,215, A>T on the plus strand (T>A on the coding strand, the complement: ADAMTS18 is on the minus strand). VCF-style: chr16-77293215-A-T. GRCh37 (hg19) VCF-style: chr16-77327112-A-T.
Other names: c.2534T>A, p.Leu845His (NM_001326358.2); short protein forms L1017H, L845H.
Identifiers: ClinVar variation 1052771 (VCV001052771.10), dbSNP rs2144571513, ClinGen allele CA396832961.
Genomic context (GRCh38, chr16:77,293,215, plus strand): 5'-GGTCTGGGGAGACTGGTACACTGGCTCTCGGGGAGGGTTTCTGCGGCAGAGCCCTTGCAG[A>T]GGAGTTCACGCTTCCTCACCCCTCGTCCACAGGTCTTGGAACACTTGAGAAGACAAAAAA-3'
Protein context (NP_955387.1, residues 1007-1027): CGRGVRKREL[Leu1017His]CKGSAAETLP